The following is an entry in ClinVar:

ClinVar aggregate classification (germline): Uncertain significance (1 of 4 stars; one submission).

Submission:

Labcorp Genetics (formerly Invitae), Labcorp
Classification: Uncertain significance. Last evaluated: 2022-02-20. Review status: criteria provided, single submitter. Criteria: Invitae Variant Classification Sherloc (09022015). Collection method: clinical testing. Allele origin: germline.
Comment: This variant, c.850_852del, results in the deletion of 1 amino acid(s) of the KCNJ11 protein (p.Ile284del), but otherwise preserves the integrity of the reading frame. This variant is not present in population databases (gnomAD no frequency). This variant has been observed in individual(s) with autosomal dominant hyperinsulinaemic hypoglycaemia and autosomal recessive congenital hyperinsulinism (PMID: 21674179, 23275527, 25201519). Algorithms developed to predict the effect of variants on protein structure and function are not available or were not evaluated for this variant. Experimental studies have shown that this variant affects KCNJ11 function (PMID: 21674179). In summary, the available evidence is currently insufficient to determine the role of this variant in disease. Therefore, it has been classified as a Variant of Uncertain Significance.

Literature cited by the submitters: PubMed 21674179; PubMed 23275527; PubMed 25201519.

NM_000525.4(KCNJ11):c.847ATC[1] (p.Ile284del)

Gene: KCNJ11 (potassium inwardly rectifying channel subfamily J member 11; minus strand). Cytogenetic location: 11p15.1.
Variant type: Microsatellite.
Coding change: c.847ATC[1] on transcript NM_000525.4 (MANE Select); one copy of the 3-base unit ATC starting at c.847; the reference has two copies in a row; one copy, 3 bases deleted.
Protein change: p.Ile284del; deletes isoleucine 284.
Molecular consequence: inframe deletion.
Genome position (GRCh38, 1-based): chr11:17,387,240-17,387,242, GAT deleted on the plus strand (ATC on the coding strand, the reverse complement: KCNJ11 is on the minus strand); deleting any 3 consecutive bases within chr11:17,387,240-17,387,245 gives the same sequence; the position shown is the placement nearest the transcript's 3' end. VCF-style (leftmost placement, unchanged base first): chr11-17387239-CGAT-C. GRCh37 (hg19) VCF-style: chr11-17408786-CGAT-C.
Other names: c.586ATC[1], p.Ile197del (NM_001166290.2, NM_001377296.1, NM_001377297.1); short protein forms I284del, I197del.
Identifiers: ClinVar variation 2137000 (VCV002137000.1), dbSNP rs1252493997, ClinGen allele CA2580615636.